The following is an entry in ClinVar:

ClinVar aggregate classification (germline): Likely benign (1 of 4 stars; one submission).

gnomAD v4.1: 6 of 1,612,600 alleles (0.00037%); highest among the groups gnomAD compares: Middle Eastern, 0.017%; no homozygotes.

Submission:

CeGaT Center for Human Genetics Tuebingen
Classification: Likely benign. Last evaluated: 2025-09-01. Review status: criteria provided, single submitter. Criteria: CeGaT Center For Human Genetics Tuebingen Variant Classification Criteria Version 2. Collection method: clinical testing. Allele origin: germline. Affected: yes. Observed: 1 variant allele.
Comment: TANC2: BP4

NM_001394998.1(TANC2):c.733A>G (p.Thr245Ala)

Gene: TANC2 (tetratricopeptide repeat, ankyrin repeat and coiled-coil containing 2; plus strand). Cytogenetic location: 17q23.3.
Variant type: single nucleotide variant.
Coding change: c.733A>G on transcript NM_001394998.1 (MANE Select); coding-DNA position 733, A replaced by G.
Protein change: p.Thr245Ala; replaces threonine 245 with alanine.
Molecular consequence: missense variant.
Genome position (GRCh38, 1-based): chr17:63,200,921, A>G. VCF-style: chr17-63200921-A-G. GRCh37 (hg19) VCF-style: chr17-61278282-A-G.
Other names: c.511A>G, p.Thr171Ala (NM_001411076.1, NM_025185.4); short protein forms T171A, T245A.
Identifiers: ClinVar variation 4281271 (VCV004281271.7).